The following is an entry in ClinVar:

ClinVar aggregate classification (germline): Likely benign. Review status: criteria provided, multiple submitters, no conflicts (2 of 4 stars). 3 submissions from 3 submitters: Likely benign (3). Last evaluated 2026-02-02.

Conditions:
Hereditary cancer-predisposing syndrome. Also called: Tumor predisposition; Hereditary neoplastic syndrome; Hereditary Cancer Syndrome; Neoplastic Syndromes, Hereditary. Identifiers: Orphanet 140162, MedGen C0027672, MeSH D009386, MONDO:0015356.
Familial cancer of breast. Also called: hereditary breast carcinoma; Hereditary breast cancer; BREAST CANCER, FAMILIAL. Identifiers: Orphanet 227535, MedGen C0346153, MONDO:0016419, OMIM 114480. Disease mechanism: loss of function.

Allele frequency attached by ClinVar (database versions not stated): TOPMed below 0.00001.

Submissions (3):

Labcorp Genetics (formerly Invitae), Labcorp
Classification: Likely benign for Familial cancer of breast. Last evaluated: 2026-02-02. Review status: criteria provided, single submitter. Criteria: Invitae Variant Classification Sherloc (09022015). Collection method: clinical testing. Allele origin: germline.

Myriad Genetics, Inc.
Classification: Likely benign for Familial cancer of breast. Last evaluated: 2024-10-07. Review status: criteria provided, single submitter. Criteria: Myriad Autosomal Dominant, Autosomal Recessive and X-Linked Classification Criteria (2023). Collection method: clinical testing. Allele origin: unknown.
Comment: This variant is considered likely benign. This variant is intronic and is not expected to impact mRNA splicing.

Color Diagnostics, LLC DBA Color Health
Classification: Likely benign for Hereditary cancer-predisposing syndrome. Last evaluated: 2020-11-16. Review status: criteria provided, single submitter. Criteria: ACMG Guidelines, 2015. Collection method: clinical testing. Allele origin: germline.

NM_007194.4(CHEK2):c.1260-6A>G

Gene: CHEK2 (checkpoint kinase 2; minus strand). Cytogenetic location: 22q12.1.
Variant type: single nucleotide variant.
Coding change: c.1260-6A>G on transcript NM_007194.4 (MANE Select); 6 bases into the intron before coding-DNA position 1260, A replaced by G.
Molecular consequence: intron variant.
Genome position (GRCh38, 1-based): chr22:28,695,248, T>C on the plus strand (A>G on the coding strand, the complement: CHEK2 is on the minus strand). VCF-style: chr22-28695248-T-C. GRCh37 (hg19) VCF-style: chr22-29091236-T-C.
Other names: c.597-6A>G (NM_001437942.1, NM_001257387.3); c.1059-6A>G (NM_001349956.3); c.1173-6A>G (NM_145862.3); c.1266-6A>G (NM_001438295.1); c.1353-6A>G (NM_001438293.1); c.1302-6A>G (NM_001438294.1); c.1389-6A>G (NM_001005735.3).
Identifiers: ClinVar variation 1171178 (VCV001171178.12), dbSNP rs767735261, ClinGen allele CA2400238027.